The following is an entry in ClinVar:

ClinVar aggregate classification (germline): Likely risk allele. Review status: criteria provided, single submitter (1 of 4 stars). 2 submissions from 2 submitters: Likely risk allele (1). 1 of the submissions does not count toward it.

Conditions:
Hyperinsulinemic hypoglycemia. Also called: Hyperinsulinemic hypoglycemia (disease); Hyperinsulinemia hypoglycemia. Identifiers: Orphanet 443095, MedGen C1864903, MONDO:0005803, HP:0000825.
Deficiency of 3-hydroxyacyl-CoA dehydrogenase. Also called: HADH DEFICIENCY; 3-hydroxyacyl-CoA dehydrogenase deficiency. Identifiers: Orphanet 309127, Orphanet 71212, MedGen C1291230, MONDO:0017715, OMIM 231530.

gnomAD v4.1: 3 of 1,610,048 alleles (0.00019%); highest among the groups gnomAD compares: Non-Finnish European, 0.00025%; no homozygotes.

Submissions (2):

Clinical Genomics, Uppaluri K&H Personalized Medicine Clinic
Classification: Likely risk allele for Hyperinsulinemic hypoglycemia. Review status: criteria provided, single submitter. Criteria: K & H Uppaluri Personalized Medicine Clinic Variant Classification & Assertion Criteria_Updated V.1. Collection method: research. Allele origin: unknown. Inheritance: Autosomal recessive inheritance.
Comment: Potent mutations in HADH gene are associated with congenital hyperinsulinism, which leads to recurrent hypoglycemia. The condition is exacerbated by stress, fasting or excessive dietary protein. May respond well to diazoxide. However, the role of this particular variant rs137853101 in congenital hyperinsulinism is yet to be ascertained.

OMIM
Classification: Pathogenic for 3-HYDROXYACYL-CoA DEHYDROGENASE DEFICIENCY. Last evaluated: 2013-02-04. Review status: no assertion criteria provided. Collection method: literature only. Allele origin: germline. Not counted in ClinVar's aggregate classification.

Literature cited by the submitters: PubMed 34547194 (cited by Clinical Genomics, Uppaluri K&H Personalized Medicine Clinic); PubMed 34055426 (cited by Clinical Genomics, Uppaluri K&H Personalized Medicine Clinic); PubMed 29280746 (cited by Clinical Genomics, Uppaluri K&H Personalized Medicine Clinic); O'Brien, L. K., Rinaldo, P., Sims, H. F., Alonso, E. M., Charrow, J., Jones, P. M., Bennett, M. J., Barycki, J. J., Banaszak, L. J., Strauss, A. W. Fulminant hepatic failure associated with mutations in the medium and short chain L-3-hydroxyacyl-CoA dehydrogenase gene. (Abstract) J. Inherit. Metab. Dis. 23 (suppl. 1): 127-only, 2000. (cited by OMIM).

NM_005327.7(HADH):c.118G>A (p.Ala40Thr)

Gene: HADH (hydroxyacyl-CoA dehydrogenase; plus strand). Cytogenetic location: 4q25.
Variant type: single nucleotide variant.
Coding change: c.118G>A on transcript NM_005327.7 (MANE Select); coding-DNA position 118, G replaced by A.
Protein change: p.Ala40Thr; replaces alanine 40 with threonine.
Molecular consequence: missense variant.
Genome position (GRCh38, 1-based): chr4:107,990,050, G>A. VCF-style: chr4-107990050-G-A. GRCh37 (hg19) VCF-style: chr4-108911206-G-A.
Other names: A28T; c.118G>A, p.Ala40Thr (NM_001184705.4); short protein forms A40T.
Identifiers: ClinVar variation 8018 (VCV000008018.2), dbSNP rs137853101, ClinGen allele CA119220.